The following is an entry in ClinVar:

ClinVar aggregate classification (germline): Likely benign. Review status: criteria provided, multiple submitters, no conflicts (2 of 4 stars). 3 submissions from 3 submitters: Likely benign (3). Last evaluated 2025-12-15.

Conditions:
RYR1-related disorder. Also called: RYR1-related condition; RYR1-related disorders. Identifiers: MedGen CN239331.
Malignant hyperthermia, susceptibility to, 1 (MHS1). Also called: Anesthesia related hyperthermia; Malignant hyperpyrexia; Fulminating hyperpyrexia; Pharmacogenic myopathy; RYR1-Related Malignant Hyperthermia Susceptibility; Malignant hyperthermia suceptibility 1. Identifiers: Orphanet 423, MedGen C2930980, MONDO:0007783, OMIM 145600.

Allele frequency attached by ClinVar (database versions not stated): ExAC 0.00004; gnomAD exomes 0.00004; TOPMed 0.00007; ESP Exome Variant Server 0.00008.
gnomAD v4.1: 90 of 1,613,238 alleles (0.0056%); highest among the groups gnomAD compares: Non-Finnish European, 0.0069%; no homozygotes.

Submissions (3):

Labcorp Genetics (formerly Invitae), Labcorp
Classification: Likely benign for RYR1-related disorder. Last evaluated: 2025-12-15. Review status: criteria provided, single submitter. Criteria: Invitae Variant Classification Sherloc (09022015). Collection method: clinical testing. Allele origin: germline.

Color Diagnostics, LLC DBA Color Health
Classification: Likely benign for Malignant hyperthermia, susceptibility to, 1. Last evaluated: 2022-11-06. Review status: criteria provided, single submitter. Criteria: ACMG Guidelines, 2015. Collection method: clinical testing. Allele origin: germline.

GeneDx
Classification: Likely benign. Last evaluated: 2018-04-09. Review status: criteria provided, single submitter. Criteria: GeneDx Variant Classification (06012015). Collection method: clinical testing. Allele origin: germline. Affected: yes.
Comment: This variant is considered likely benign or benign based on one or more of the following criteria: it is a conservative change, it occurs at a poorly conserved position in the protein, it is predicted to be benign by multiple in silico algorithms, and/or has population frequency not consistent with disease.

NM_000540.3(RYR1):c.3021C>T (p.Ser1007=)

Gene: RYR1 (ryanodine receptor 1; plus strand). Cytogenetic location: 19q13.2.
Variant type: single nucleotide variant.
Coding change: c.3021C>T on transcript NM_000540.3 (MANE Select); coding-DNA position 3021, C replaced by T.
Protein change: p.Ser1007=; no amino-acid change (serine 1007 retained).
Molecular consequence: synonymous variant.
Genome position (GRCh38, 1-based): chr19:38,466,241, C>T. VCF-style: chr19-38466241-C-T. GRCh37 (hg19) VCF-style: chr19-38956881-C-T.
Other names: c.3021C>T, p.Ser1007= (NM_001042723.2).
Identifiers: ClinVar variation 329005 (VCV000329005.14), dbSNP rs143891703, ClinGen allele CA064318.